The following is an entry in ClinVar:

NM_003159.3(CDKL5):c.2749T>G (p.Ser917Ala)

Genes: CDKL5 (cyclin dependent kinase like 5; plus strand), RS1 (retinoschisin 1; minus strand). Cytogenetic location: Xp22.13.
Variant type: single nucleotide variant.
Coding change: c.2749T>G on transcript NM_003159.3; coding-DNA position 2749, T replaced by G.
Protein change: p.Ser917Ala; replaces serine 917 with alanine.
Molecular consequence: missense variant. On other transcripts: intron variant (1).
Genome position (GRCh38, 1-based): chrX:18,646,042, T>G. VCF-style: chrX-18646042-T-G. GRCh37 (hg19) VCF-style: chrX-18664162-T-G.
Other names: c.2749T>G, p.Ser917Ala (NM_001037343.2); c.326+1149A>C (NM_000330.4); short protein forms S917A.
Identifiers: ClinVar variation 1310905 (VCV001310905.26), dbSNP rs2147192642, ClinGen allele CA412372451.

ClinVar aggregate classification (germline): Uncertain significance. Review status: criteria provided, multiple submitters, no conflicts (2 of 4 stars). 2 submissions from 2 submitters: Uncertain significance (2). Last evaluated 2022-08-01.

Submissions (2):

CeGaT Center for Human Genetics Tuebingen
Classification: Uncertain significance. Last evaluated: 2022-08-01. Review status: criteria provided, single submitter. Criteria: CeGaT Center For Human Genetics Tuebingen Variant Classification Criteria Version 2. Collection method: clinical testing. Allele origin: germline. Affected: yes. Observed: 1 variant allele.
Comment: CDKL5: PM2, BP4

GeneDx
Classification: Uncertain significance. Last evaluated: 2019-12-10. Review status: criteria provided, single submitter. Criteria: GeneDx Variant Classification Process June 2021. Collection method: clinical testing. Allele origin: germline. Affected: yes.
Comment: Not observed in large population cohorts (Lek et al., 2016); In silico analysis, which includes protein predictors and evolutionary conservation, supports that this variant does not alter protein structure/function; Has not been previously published as pathogenic or benign to our knowledge